The following is an entry in ClinVar:

NM_006059.4(LAMC3):c.1711C>A (p.Leu571Ile)

Genes: LAMC3 (laminin subunit gamma 3; plus strand), LOC126860777 (BRD4-independent group 4 enhancer GRCh37_chr9:133927058-133928257; plus strand). Cytogenetic location: 9q34.12.
Variant type: single nucleotide variant.
Coding change: c.1711C>A on transcript NM_006059.4 (MANE Select); coding-DNA position 1711, C replaced by A.
Protein change: p.Leu571Ile; replaces leucine 571 with isoleucine.
Molecular consequence: missense variant.
Genome position (GRCh38, 1-based): chr9:131,052,571, C>A. VCF-style: chr9-131052571-C-A. GRCh37 (hg19) VCF-style: chr9-133927958-C-A.
Other names: short protein forms L571I.
Identifiers: ClinVar variation 2131487 (VCV002131487.4), dbSNP rs2133281177, ClinGen allele CA375263926.
Genomic context (GRCh38, chr9:131,052,571, plus strand): 5'-CGGTTCAGCTATGGGCAGCCCCTCATACTGACCTTCCGGGTGCCCCCCGGGGACTCCCCA[C>A]TCCCTGTACAGCTGAGGCTGGAAGGGACAGGCTTGGCCCTGTCCCTGAGGCACTCTAGCC-3'
Protein context (NP_006050.3, residues 561-581): TFRVPPGDSP[Leu571Ile]PVQLRLEGTG

ClinVar aggregate classification (germline): Uncertain significance (1 of 4 stars; one submission).

Submission:

Labcorp Genetics (formerly Invitae), Labcorp
Classification: Uncertain significance. Last evaluated: 2022-04-28. Review status: criteria provided, single submitter. Criteria: Invitae Variant Classification Sherloc (09022015). Collection method: clinical testing. Allele origin: germline.
Comment: In summary, the available evidence is currently insufficient to determine the role of this variant in disease. Therefore, it has been classified as a Variant of Uncertain Significance. Algorithms developed to predict the effect of missense changes on protein structure and function output the following: SIFT: "Tolerated"; PolyPhen-2: "Benign"; Align-GVGD: "Class C0". The isoleucine amino acid residue is found in multiple mammalian species, which suggests that this missense change does not adversely affect protein function. This variant has not been reported in the literature in individuals affected with LAMC3-related conditions. This variant is not present in population databases (gnomAD no frequency). This sequence change replaces leucine, which is neutral and non-polar, with isoleucine, which is neutral and non-polar, at codon 571 of the LAMC3 protein (p.Leu571Ile).